The following is an entry in ClinVar:

ClinVar aggregate classification (germline): Uncertain significance (1 of 4 stars; one submission).

Conditions:
Inborn genetic diseases. Identifiers: MedGen C0950123, MeSH D030342.

gnomAD v4.1: 3 of 1,611,762 alleles (0.00019%); highest among the groups gnomAD compares: South Asian, 0.0011%; no homozygotes.

Submission:

Ambry Genetics
Classification: Uncertain significance for Inborn genetic diseases. Last evaluated: 2025-09-19. Review status: criteria provided, single submitter. Criteria: Ambry Variant Classification Scheme 2023. Collection method: clinical testing. Allele origin: germline.
Comment: The p.S1208G variant (also known as c.3622A>G), located in coding exon 36 of the FANCA gene, results from an A to G substitution at nucleotide position 3622. The serine at codon 1208 is replaced by glycine, an amino acid with similar properties. This amino acid position is conserved. In addition, this alteration is predicted to be tolerated by in silico analysis. Based on the available evidence, the clinical significance of this variant remains unclear.

NM_000135.4(FANCA):c.3622A>G (p.Ser1208Gly)

Gene: FANCA (FA complementation group A; minus strand). Cytogenetic location: 16q24.3.
Variant type: single nucleotide variant.
Coding change: c.3622A>G on transcript NM_000135.4 (MANE Select); coding-DNA position 3622, A replaced by G.
Protein change: p.Ser1208Gly; replaces serine 1208 with glycine.
Molecular consequence: missense variant.
Genome position (GRCh38, 1-based): chr16:89,744,963, T>C on the plus strand (A>G on the coding strand, the complement: FANCA is on the minus strand). VCF-style: chr16-89744963-T-C. GRCh37 (hg19) VCF-style: chr16-89811371-T-C.
Other names: c.3622A>G, p.Ser1208Gly (NM_001286167.3); short protein forms S1208G.
Identifiers: ClinVar variation 4619155 (VCV004619155.1).